The following is an entry in ClinVar:

ClinVar aggregate classification (germline): Uncertain significance (1 of 4 stars; one submission).

Conditions:
Distal hereditary motor neuropathy type 2. Identifiers: Orphanet 139525, MedGen C3711384, MeSH C580044, MONDO:0015352.

Allele frequency attached by ClinVar (database versions not stated): gnomAD 0.00001; gnomAD exomes 0.00001; ExAC 0.00002; TOPMed 0.00001.
gnomAD v4.1: 16 of 1,613,840 alleles (0.00099%); highest among the groups gnomAD compares: South Asian, 0.0055%; no homozygotes.

Submission:

Labcorp Genetics (formerly Invitae), Labcorp
Classification: Uncertain significance for Distal hereditary motor neuropathy type 2. Last evaluated: 2022-08-19. Review status: criteria provided, single submitter. Criteria: Invitae Variant Classification Sherloc (09022015). Collection method: clinical testing. Allele origin: germline.
Comment: This sequence change replaces isoleucine, which is neutral and non-polar, with valine, which is neutral and non-polar, at codon 926 of the FBXO38 protein (p.Ile926Val). This variant is present in population databases (rs754091880, gnomAD 0.007%). This variant has not been reported in the literature in individuals affected with FBXO38-related conditions. Algorithms developed to predict the effect of missense changes on protein structure and function are either unavailable or do not agree on the potential impact of this missense change (SIFT: "Deleterious"; PolyPhen-2: "Possibly Damaging"; Align-GVGD: "Class C0"). In summary, the available evidence is currently insufficient to determine the role of this variant in disease. Therefore, it has been classified as a Variant of Uncertain Significance.

NM_205836.3(FBXO38):c.3001A>G (p.Ile1001Val)

Gene: FBXO38 (F-box protein 38; plus strand). Cytogenetic location: 5q32.
Variant type: single nucleotide variant.
Coding change: c.3001A>G on transcript NM_205836.3 (MANE Select); coding-DNA position 3001, A replaced by G.
Protein change: p.Ile1001Val; replaces isoleucine 1001 with valine.
Molecular consequence: missense variant.
Genome position (GRCh38, 1-based): chr5:148,438,475, A>G. VCF-style: chr5-148438475-A-G. GRCh37 (hg19) VCF-style: chr5-147818038-A-G.
Other names: c.2266A>G, p.Ile756Val (NM_001271723.2); c.2776A>G, p.Ile926Val (NM_030793.5); short protein forms I756V, I926V, I1001V.
Identifiers: ClinVar variation 2068895 (VCV002068895.4), dbSNP rs754091880, ClinGen allele CA3497639.